The following is an entry in ClinVar:

ClinVar aggregate classification (germline): Likely benign. Review status: criteria provided, multiple submitters, no conflicts (2 of 4 stars). 4 submissions from 4 submitters: Likely benign (4). Last evaluated 2026-01-05.

Conditions:
MAST1-related disorder. Also called: MAST1-related condition.
Inborn genetic diseases. Identifiers: MedGen C0950123, MeSH D030342.

Allele frequency attached by ClinVar (database versions not stated): TOPMed 0.00009; ExAC 0.00010; gnomAD 0.00013; gnomAD exomes 0.00025; ESP Exome Variant Server 0.00031.
gnomAD v4.1: 382 of 1,612,948 alleles (0.024%); highest among the groups gnomAD compares: Non-Finnish European, 0.031%; no homozygotes.

Submissions (4):

Labcorp Genetics (formerly Invitae), Labcorp
Classification: Likely benign. Last evaluated: 2026-01-05. Review status: criteria provided, single submitter. Criteria: Invitae Variant Classification Sherloc (09022015). Collection method: clinical testing. Allele origin: germline.

CeGaT Center for Human Genetics Tuebingen
Classification: Likely benign. Last evaluated: 2025-12-01. Review status: criteria provided, single submitter. Criteria: CeGaT Center For Human Genetics Tuebingen Variant Classification Criteria Version 2. Collection method: clinical testing. Allele origin: germline. Affected: yes. Observed: 1 variant allele.
Comment: MAST1: BS2

PreventionGenetics, part of Exact Sciences
Classification: Likely benign for MAST1-related condition. Last evaluated: 2025-05-12. Review status: criteria provided, single submitter. Criteria: ACMG Guidelines, 2015. Collection method: clinical testing. Allele origin: germline.
Comment: This variant is classified as likely benign based on ACMG/AMP sequence variant interpretation guidelines (Richards et al. 2015 PMID: 25741868, with internal and published modifications).

Ambry Genetics
Classification: Likely benign for Inborn genetic diseases. Last evaluated: 2024-08-28. Review status: criteria provided, single submitter. Criteria: Ambry Variant Classification Scheme 2023. Collection method: clinical testing. Allele origin: germline.

NM_014975.3(MAST1):c.322G>A (p.Val108Ile)

Gene: MAST1 (microtubule associated serine/threonine kinase 1; plus strand). Cytogenetic location: 19p13.13.
Variant type: single nucleotide variant.
Coding change: c.322G>A on transcript NM_014975.3 (MANE Select); coding-DNA position 322, G replaced by A.
Protein change: p.Val108Ile; replaces valine 108 with isoleucine.
Molecular consequence: missense variant.
Genome position (GRCh38, 1-based): chr19:12,843,602, G>A. VCF-style: chr19-12843602-G-A. GRCh37 (hg19) VCF-style: chr19-12954416-G-A.
Other names: c.322G>A (NM_014975.2); short protein forms V108I.
Identifiers: ClinVar variation 2145559 (VCV002145559.11), dbSNP rs138461183, ClinGen allele CA9232567.
Genomic context (GRCh38, chr19:12,843,602, plus strand): 5'-CGGTGGTCTCTGGCCTCGCTCCCTTCATCTGGCTATGGCACCAACACGCCCAGTTCCACC[G>A]TCTCGGTGAGTGTGGAAAGTAGGTGGGTGGGCCGGTGGGTAAGGAATTCAGGGGCCCTCC-3'
Protein context (NP_055790.1, residues 98-118): GYGTNTPSST[Val108Ile]SSSCSSQERL